The following is an entry in ClinVar:

ClinVar aggregate classification (germline): Uncertain significance. Review status: criteria provided, multiple submitters, no conflicts (2 of 4 stars). 2 submissions from 2 submitters: Uncertain significance (2). Last evaluated 2025-04-03.

Conditions:
Hypertrophic cardiomyopathy 14. Identifiers: MedGen C2750467, MONDO:0013197, OMIM 613251.
Cardiovascular phenotype. Identifiers: MedGen CN230736.

Allele frequency attached by ClinVar (database versions not stated): TOPMed 0.00001.
gnomAD v4.1: 25 of 1,614,046 alleles (0.0015%); highest among the groups gnomAD compares: Non-Finnish European, 0.0019%; no homozygotes.

Submissions (2):

Ambry Genetics
Classification: Uncertain significance for Cardiovascular phenotype. Last evaluated: 2025-04-03. Review status: criteria provided, single submitter. Criteria: Ambry Variant Classification Scheme 2023. Collection method: clinical testing. Allele origin: germline.
Comment: The p.G144D variant (also known as c.431G>A), located in coding exon 3 of the MYH6 gene, results from a G to A substitution at nucleotide position 431. The glycine at codon 144 is replaced by aspartic acid, an amino acid with similar properties. This amino acid position is highly conserved in available vertebrate species. In addition, this alteration is predicted to be deleterious by in silico analysis. Based on the available evidence, the clinical significance of this variant remains unclear.

Labcorp Genetics (formerly Invitae), Labcorp
Classification: Uncertain significance for Hypertrophic cardiomyopathy 14. Last evaluated: 2023-07-21. Review status: criteria provided, single submitter. Criteria: Invitae Variant Classification Sherloc (09022015). Collection method: clinical testing. Allele origin: germline.
Comment: This sequence change replaces glycine, which is neutral and non-polar, with aspartic acid, which is acidic and polar, at codon 144 of the MYH6 protein (p.Gly144Asp). This variant is present in population databases (no rsID available, gnomAD 0.0009%). This variant has not been reported in the literature in individuals affected with MYH6-related conditions. ClinVar contains an entry for this variant (Variation ID: 1491582). Advanced modeling of protein sequence and biophysical properties (such as structural, functional, and spatial information, amino acid conservation, physicochemical variation, residue mobility, and thermodynamic stability) performed at Invitae indicates that this missense variant is expected to disrupt MYH6 protein function. In summary, the available evidence is currently insufficient to determine the role of this variant in disease. Therefore, it has been classified as a Variant of Uncertain Significance.

NM_002471.4(MYH6):c.431G>A (p.Gly144Asp)

Genes: MYH6 (myosin heavy chain 6; minus strand), LOC114827851 (VISTA enhancer hs2155; plus strand). Cytogenetic location: 14q11.2.
Variant type: single nucleotide variant.
Coding change: c.431G>A on transcript NM_002471.4 (MANE Select); coding-DNA position 431, G replaced by A.
Protein change: p.Gly144Asp; replaces glycine 144 with aspartic acid.
Molecular consequence: missense variant.
Genome position (GRCh38, 1-based): chr14:23,405,294, C>T on the plus strand (G>A on the coding strand, the complement: MYH6 is on the minus strand). VCF-style: chr14-23405294-C-T. GRCh37 (hg19) VCF-style: chr14-23874503-C-T.
Other names: c.431G>A (NM_002471.3); short protein forms G144D.
Identifiers: ClinVar variation 1491582 (VCV001491582.9), dbSNP rs199923533, ClinGen allele CA16622153.
Genomic context (GRCh38, chr14:23,405,294, plus strand): 5'-TACTGATAGGCGTTGTCGGAGATGGAGAAGATGTGGGGCGGGGCCTCACTCCTCTTCTTG[C>T]CCCGGTAGGCGGCCACCACCTCGGCATTGTACACCGGCAGCCACTTGTAGGGGTTGACAG-3'
Protein context (NP_002462.2, residues 134-154): YNAEVVAAYR[Gly144Asp]KKRSEAPPHI